The following is an entry in ClinVar:

NM_002317.7(LOX):c.727A>G (p.Asn243Asp)

Genes: LOX (lysyl oxidase; minus strand), SRFBP1 (serum response factor binding protein 1; plus strand). Cytogenetic location: 5q23.1.
Variant type: single nucleotide variant.
Coding change: c.727A>G on transcript NM_002317.7 (MANE Select); coding-DNA position 727, A replaced by G.
Protein change: p.Asn243Asp; replaces asparagine 243 with aspartic acid.
Molecular consequence: missense variant. On other transcripts: intron variant (1).
Genome position (GRCh38, 1-based): chr5:122,076,906, T>C on the plus strand (A>G on the coding strand, the complement: LOX is on the minus strand). VCF-style: chr5-122076906-T-C. GRCh37 (hg19) VCF-style: chr5-121412601-T-C.
Other names: c.37A>G, p.Asn13Asp (NM_001178102.2); c.-152+186A>G (NM_001317073.1); short protein forms N13D, N243D.
Identifiers: ClinVar variation 3371846 (VCV003371846.1).

ClinVar aggregate classification (germline): Uncertain significance (1 of 4 stars; one submission).

Submission:

GeneDx
Classification: Uncertain significance. Last evaluated: 2024-04-08. Review status: criteria provided, single submitter. Criteria: GeneDx Variant Classification Process June 2021. Collection method: clinical testing. Allele origin: germline. Affected: yes.
Comment: Not observed at significant frequency in large population cohorts (gnomAD); In silico analysis supports that this missense variant has a deleterious effect on protein structure/function; Has not been previously published as pathogenic or benign to our knowledge